The following is an entry in ClinVar:

ClinVar aggregate classification (germline): Likely benign. Review status: reviewed by expert panel (3 of 4 stars). 3 submissions from 3 submitters: Likely benign (1). 2 of the submissions do not count toward it. Last evaluated 2017-06-29.

Conditions:
Hereditary cancer-predisposing syndrome. Also called: Hereditary neoplastic syndrome; Hereditary Cancer Syndrome; Neoplastic Syndromes, Hereditary; Tumor predisposition. Identifiers: Orphanet 140162, MedGen C0027672, MeSH D009386, MONDO:0015356.
Hereditary breast ovarian cancer syndrome. Also called: Hereditary breast and ovarian cancer syndrome; BRCA1- and BRCA2-Associated Hereditary Breast and Ovarian Cancer; Hereditary breast and/or ovarian cancer syndrome; Hereditary breast and ovarian cancer; Breast and ovarian cancer; Hereditary breast and ovarian cancer syndrome (HBOC). Identifiers: Orphanet 145, MedGen C0677776, MeSH D061325, MONDO:0003582. Disease mechanism: loss of function.
Breast-ovarian cancer, familial, susceptibility to, 2 (BROVCA2). Also called: BRCA2 Hereditary Breast and Ovarian Cancer. Identifiers: Orphanet 145, MedGen C2675520, MONDO:0012933, OMIM 612555. Disease mechanism: loss of function.

Allele frequency attached by ClinVar (database versions not stated): gnomAD exomes below 0.00001; ExAC 0.00001.
gnomAD v4.1: 3 of 1,611,698 alleles (0.00019%); highest among the groups gnomAD compares: Admixed American, 0.0017%; no homozygotes.

Submissions (3):

Evidence-based Network for the Interpretation of Germline Mutant Alleles (ENIGMA)
Classification: Likely benign for Breast-ovarian cancer, familial, susceptibility to, 2. Last evaluated: 2017-06-29. Review status: reviewed by expert panel. Criteria: ENIGMA BRCA1/2 Classification Criteria (2017-06-29). Collection method: curation. Allele origin: germline.
Comment: Synonymous substitution variant, with low bioinformatic likelihood to result in a splicing aberration (Splicing prior probability 0.02).

Labcorp Genetics (formerly Invitae), Labcorp
Classification: Likely benign for Hereditary breast ovarian cancer syndrome. Last evaluated: 2025-04-09. Review status: criteria provided, single submitter. Criteria: Invitae Variant Classification Sherloc (09022015). Collection method: clinical testing. Allele origin: germline. Not counted in ClinVar's aggregate classification.

Ambry Genetics
Classification: Likely benign for Hereditary cancer-predisposing syndrome. Last evaluated: 2018-12-21. Review status: criteria provided, single submitter. Criteria: Ambry Variant Classification Scheme 2023. Collection method: clinical testing. Allele origin: germline. Not counted in ClinVar's aggregate classification.

NM_000059.4(BRCA2):c.1032T>C (p.Ser344=)

Gene: BRCA2 (BRCA2 DNA repair associated; plus strand). Cytogenetic location: 13q13.1.
Variant type: single nucleotide variant.
Coding change: c.1032T>C on transcript NM_000059.4 (MANE Select); coding-DNA position 1032, T replaced by C.
Protein change: p.Ser344=; no amino-acid change (serine 344 retained).
Molecular consequence: synonymous variant.
Genome position (GRCh38, 1-based): chr13:32,332,510, T>C. VCF-style: chr13-32332510-T-C. GRCh37 (hg19) VCF-style: chr13-32906647-T-C.
Identifiers: ClinVar variation 427509 (VCV000427509.27), dbSNP rs746783617, ClinGen allele CA6940484.
Genomic context (GRCh38, chr13:32,332,510, plus strand): 5'-AACTAGCAAGACTAGGAAAAAAATTTTCCATGAAGCAAACGCTGATGAATGTGAAAAATC[T>C]AAAAACCAAGTGAAAGAAAAATACTCATTTGTATCTGAAGTGGAACCAAATGATACTGAT-3'
Protein context (NP_000050.3, residues 334-354): HEANADECEK[Ser344=]KNQVKEKYSF